The following is an entry in ClinVar:

NM_014023.4(WDR37):c.212A>G (p.Asn71Ser)

Gene: WDR37 (WD repeat domain 37; plus strand). Cytogenetic location: 10p15.3.
Variant type: single nucleotide variant.
Coding change: c.212A>G on transcript NM_014023.4 (MANE Select); coding-DNA position 212, A replaced by G.
Protein change: p.Asn71Ser; replaces asparagine 71 with serine.
Molecular consequence: missense variant.
Genome position (GRCh38, 1-based): chr10:1,077,980, A>G. VCF-style: chr10-1077980-A-G. GRCh37 (hg19) VCF-style: chr10-1123920-A-G.
Other names: c.212A>G (NM_014023.3); short protein forms N71S.
Identifiers: ClinVar variation 2640272 (VCV002640272.26), dbSNP rs139593232, ClinGen allele CA5383900.

ClinVar aggregate classification (germline): Benign/Likely benign. Review status: criteria provided, multiple submitters, no conflicts (2 of 4 stars). 3 submissions from 3 submitters: Benign (1); Likely benign (1). 1 of the submissions does not count toward it. Last evaluated 2025-07-02.

Conditions:
Inborn genetic diseases. Identifiers: MedGen C0950123, MeSH D030342.
WDR37-related disorder. Also called: WDR37-related condition.

Allele frequency attached by ClinVar (database versions not stated): 1000 Genomes Project 30x 0.00031; 1000 Genomes Project 0.00040; TOPMed 0.00071; gnomAD 0.00086; ExAC 0.00089; ESP Exome Variant Server 0.00115; gnomAD exomes 0.00153.
gnomAD v4.1: 2,340 of 1,610,354 alleles (0.15%); highest among the groups gnomAD compares: Non-Finnish European, 0.18%; 3 homozygotes.

Submissions (3):

Ambry Genetics
Classification: Likely benign for Inborn genetic diseases. Last evaluated: 2025-07-02. Review status: criteria provided, single submitter. Criteria: Ambry Variant Classification Scheme 2023. Collection method: clinical testing. Allele origin: germline.

CeGaT Center for Human Genetics Tuebingen
Classification: Benign. Last evaluated: 2022-10-01. Review status: criteria provided, single submitter. Criteria: CeGaT Center For Human Genetics Tuebingen Variant Classification Criteria Version 2. Collection method: clinical testing. Allele origin: germline. Affected: yes. Observed: 1 variant allele.
Comment: WDR37: BS1, BS2

PreventionGenetics, part of Exact Sciences
Classification: Likely benign for WDR37-related condition. Last evaluated: 2020-05-11. Review status: no assertion criteria provided. Collection method: clinical testing. Allele origin: germline. Not counted in ClinVar's aggregate classification.
Comment: This variant is classified as likely benign based on ACMG/AMP sequence variant interpretation guidelines (Richards et al. 2015 PMID: 25741868, with internal and published modifications).